The following is an entry in ClinVar:

NM_000207.3(INS):c.*49G>A

Genes: INS (insulin; minus strand), INS-IGF2 (INS-IGF2 readthrough; minus strand). Cytogenetic location: 11p15.5.
Variant type: single nucleotide variant.
Coding change: c.*49G>A on transcript NM_000207.3 (MANE Select); 49 bases downstream of the stop codon, G replaced by A.
Molecular consequence: 3 prime UTR variant. On other transcripts: intron variant (1).
Genome position (GRCh38, 1-based): chr11:2,159,803, C>T on the plus strand (G>A on the coding strand, the complement: INS is on the minus strand). VCF-style: chr11-2159803-C-T. GRCh37 (hg19) VCF-style: chr11-2181033-C-T.
Other names: c.*49G>A (NM_001185097.2, NM_001185098.2, NM_001291897.2); c.187+982G>A (NM_001042376.3).
Identifiers: ClinVar variation 3029536 (VCV003029536.2), dbSNP rs2495745509, ClinGen allele CA379120407.

ClinVar aggregate classification (germline): Likely benign (0 of 4 stars; one submission).

Conditions:
INS-related disorder. Also called: INS-related condition.

Submission:

PreventionGenetics, part of Exact Sciences
Classification: Likely benign for INS-related condition. Last evaluated: 2021-08-05. Review status: no assertion criteria provided. Collection method: clinical testing. Allele origin: germline.
Comment: This variant is classified as likely benign based on ACMG/AMP sequence variant interpretation guidelines (Richards et al. 2015 PMID: 25741868, with internal and published modifications).